The following is an entry in ClinVar:

ClinVar aggregate classification (germline): Conflicting classifications of pathogenicity. Review status: criteria provided, conflicting classifications (1 of 4 stars). 5 submissions from 5 submitters: Pathogenic (1); Likely pathogenic (2); Uncertain significance (2). Last evaluated 2026-06-06.

Conditions:
TEX15-related disorder. Also called: TEX15-related condition.
Spermatogenic failure 25. Identifiers: MedGen C4693765, MONDO:0054729, OMIM 617960.

Submissions (5):

PreventionGenetics, part of Exact Sciences
Classification: Likely pathogenic for TEX15-related condition. Last evaluated: 2026-06-06. Review status: criteria provided, single submitter. Criteria: ACMG Guidelines, 2015. Collection method: clinical testing. Allele origin: germline.
Comment: The TEX15 c.5699_5700delGA variant is predicted to result in a frameshift and premature protein termination (p.Arg1900Asnfs*22). To our knowledge, this variant has not been reported in the literature. This variant is reported in 0.16% of alleles in individuals of European (non-Finnish) descent in gnomAD. Frameshift variants in TEX15 are expected to be pathogenic. This variant is interpreted as likely pathogenic.

Blueprint Genetics
Classification: Uncertain significance. Last evaluated: 2024-11-15. Review status: criteria provided, single submitter. Criteria: ACMG Guidelines, 2015. Collection method: clinical testing. Allele origin: germline.

Department of Pathology and Laboratory Medicine, Sinai Health System
Classification: Uncertain significance for Spermatogenic failure 25. Last evaluated: 2023-08-21. Review status: criteria provided, single submitter. Criteria: ACMG Guidelines, 2015. Collection method: research. Allele origin: germline.

CeGaT Center for Human Genetics Tuebingen
Classification: Likely pathogenic. Last evaluated: 2023-02-01. Review status: criteria provided, single submitter. Criteria: CeGaT Center For Human Genetics Tuebingen Variant Classification Criteria Version 2. Collection method: clinical testing. Allele origin: germline. Affected: yes. Observed: 1 variant allele.
Comment: TEX15: PVS1

Yatsenko Laboratory, Magee-Womens Research Institute, University of Pittsburgh
Classification: Pathogenic for Spermatogenic failure 25. Last evaluated: 2022-12-30. Review status: criteria provided, single submitter. Criteria: ACMG Guidelines, 2015. Collection method: research. Allele origin: unknown. Affected: yes. Observed: 3 variant alleles. Clinical features observed: Non-obstructive azoospermia.

NM_001350162.2(TEX15):c.6848_6849del (p.Arg2283fs)

Gene: TEX15 (testis expressed 15, meiosis and synapsis associated; minus strand). Cytogenetic location: 8p12.
Variant type: Microsatellite.
Coding change: c.6848_6849del on transcript NM_001350162.2 (MANE Select); coding-DNA positions 6848 to 6849, 2 bases deleted (GA; older notation c.6848_6849delGA).
Protein change: p.Arg2283fs; shifts the reading frame from arginine 2283.
Molecular consequence: frameshift variant.
Genome position (GRCh38, 1-based): chr8:30,843,318-30,843,319, TC deleted on the plus strand (GA on the coding strand, the reverse complement: TEX15 is on the minus strand); deleting any 2 consecutive bases within chr8:30,843,318-30,843,324 gives the same sequence; the c. name uses the placement nearest the transcript's 3' end. VCF-style (leftmost placement, unchanged base first): chr8-30843317-TTC-T. GRCh37 (hg19) VCF-style: chr8-30700833-TTC-T.
Other names: short protein forms R2283fs.
Identifiers: ClinVar variation 2442301 (VCV002442301.32), dbSNP rs550195743, ClinGen allele CA4702619.